The following is an entry in ClinVar:

NM_000059.4(BRCA2):c.4171dup (p.Glu1391fs)

Gene: BRCA2 (BRCA2 DNA repair associated; plus strand). Cytogenetic location: 13q13.1.
Variant type: Duplication.
Coding change: c.4171dup on transcript NM_000059.4 (MANE Select); coding-DNA position 4171, one base duplicated (G; older notation c.4171dupG).
Protein change: p.Glu1391fs; shifts the reading frame from glutamic acid 1391.
Molecular consequence: frameshift variant.
Genome position (GRCh38, 1-based): chr13:32,338,526, G duplicated; the last of 2 consecutive G bases (chr13:32,338,525-32,338,526); duplicating either gives the same sequence. VCF-style (leftmost placement, unchanged base first): chr13-32338524-T-TG. GRCh37 (hg19) VCF-style: chr13-32912661-T-TG.
Other names: c.4171dup, p.Glu1391Glyfs (NM_001406719.1, NM_001406720.1); short protein forms E1391fs.
Identifiers: ClinVar variation 2042749 (VCV002042749.7), dbSNP rs397507711, ClinGen allele CA2580087256.

ClinVar aggregate classification (germline): Pathogenic. Review status: criteria provided, multiple submitters, no conflicts (2 of 4 stars). 2 submissions from 2 submitters: Pathogenic (2). Last evaluated 2022-11-28.

Conditions:
Hereditary breast ovarian cancer syndrome. Also called: Hereditary breast and ovarian cancer syndrome; Hereditary breast and/or ovarian cancer syndrome; BRCA1- and BRCA2-Associated Hereditary Breast and Ovarian Cancer; Hereditary breast and ovarian cancer syndrome (HBOC); Hereditary breast and ovarian cancer; Breast and ovarian cancer. Identifiers: Orphanet 145, MedGen C0677776, MeSH D061325, MONDO:0003582. Disease mechanism: loss of function.

Submissions (2):

ARUP Laboratories, Molecular Genetics and Genomics, ARUP Laboratories
Classification: Pathogenic. Last evaluated: 2022-11-28. Review status: criteria provided, single submitter. Criteria: ARUP Molecular Germline Variant Investigation Process 2021. Collection method: clinical testing. Allele origin: germline.
Comment: The BRCA2 c.4171dupG; p.Glu1391GlyfsTer12 variant, to our knowledge, is not reported in the medical literature or gene specific databases. This variant is also absent from the Genome Aggregation Database, indicating it is not a common polymorphism. This variant causes a frameshift by inserting a single nucleotide, so it is predicted to result in a truncated protein or mRNA subject to nonsense-mediated decay. Additionally, several downstream truncating variants have been described in individuals with breast and/or ovarian cancer and are considered pathogenic (Li 2019, Risch 2001, Sun 2017). Based on available information, this variant is considered to be pathogenic. References: Li JY et al. Germline mutations in 40 cancer susceptibility genes among Chinese patients with high hereditary risk breast cancer. Int J Cancer. 2019 Jan 15;144(2):281-289. PMID: 29752822. Risch HA et al. Prevalence and penetrance of germline BRCA1 and BRCA2 mutations in a population series of 649 women with ovarian cancer. Am J Hum Genet. 2001 Mar;68(3):700-10. PMID: 11179017. Sun J et al. Germline Mutations in Cancer Susceptibility Genes in a Large Series of Unselected Breast Cancer Patients. Clin Cancer Res. 2017 Oct 15;23(20):6113-6119. PMID: 28724667.

Labcorp Genetics (formerly Invitae), Labcorp
Classification: Pathogenic for Hereditary breast ovarian cancer syndrome. Last evaluated: 2021-12-14. Review status: criteria provided, single submitter. Criteria: Invitae Variant Classification Sherloc (09022015). Collection method: clinical testing. Allele origin: germline.
Comment: This variant is not present in population databases (gnomAD no frequency). This variant has not been reported in the literature in individuals affected with BRCA2-related conditions. For these reasons, this variant has been classified as Pathogenic. This sequence change creates a premature translational stop signal (p.Glu1391Glyfs*12) in the BRCA2 gene. It is expected to result in an absent or disrupted protein product. Loss-of-function variants in BRCA2 are known to be pathogenic (PMID: 20104584).

Literature cited by the submitters: PubMed 20104584 (cited by Labcorp Genetics (formerly Invitae), Labcorp).